The following is an entry in ClinVar:

ClinVar aggregate classification (germline): Uncertain significance (1 of 4 stars; one submission).

Conditions:
RECQL5-related disorder. Also called: RECQL5-related condition.

Submission:

PreventionGenetics, part of Exact Sciences
Classification: Uncertain significance for RECQL5-related condition. Last evaluated: 2026-04-30. Review status: criteria provided, single submitter. Criteria: ACMG Guidelines, 2015. Collection method: clinical testing. Allele origin: germline.
Comment: The RECQL5 c.860A>G variant is predicted to result in the amino acid substitution p.Lys287Arg. To our knowledge, this variant has not been reported in the literature. This variant is reported in 0.0056% of alleles in individuals of Latino descent in gnomAD. At the time of reporting, this variant is absent from the ClinVar database. At this time, the clinical significance of this variant is uncertain due to the absence of conclusive functional and genetic evidence.

NM_004259.7(RECQL5):c.860A>G (p.Lys287Arg)

Gene: RECQL5 (RecQ like helicase 5; minus strand). Cytogenetic location: 17q25.1.
Variant type: single nucleotide variant.
Coding change: c.860A>G on transcript NM_004259.7 (MANE Select); coding-DNA position 860, A replaced by G.
Protein change: p.Lys287Arg; replaces lysine 287 with arginine.
Molecular consequence: missense variant.
Genome position (GRCh38, 1-based): chr17:75,661,620, T>C on the plus strand (A>G on the coding strand, the complement: RECQL5 is on the minus strand). VCF-style: chr17-75661620-T-C. GRCh37 (hg19) VCF-style: chr17-73657700-T-C.
Other names: c.860A>G, p.Lys287Arg (NM_001003715.4, NM_001003716.4); short protein forms K287R.
Identifiers: ClinVar variation 4980315 (VCV004980315.1).
Genomic context (GRCh38, chr17:75,661,620, plus strand): 5'-AAGCCTCTGAGGGTGAAGAGACTCAAGTGGCCTGGGTGCCCCTTACCTGCATGGTAAGCC[T>C]TGGCGTTCACACCCCTGCAGCTGAGCTCTATGGCCAGCTGTTCACAAGCCTCTCTAGTCC-3'
Protein context (NP_004250.4, residues 277-297): IELSCRGVNA[Lys287Arg]AYHAGLKASE